The following is an entry in ClinVar:

NM_018263.6(ASXL2):c.890G>A (p.Gly297Glu)

Gene: ASXL2 (ASXL transcriptional regulator 2; minus strand). Cytogenetic location: 2p23.3.
Variant type: single nucleotide variant.
Coding change: c.890G>A on transcript NM_018263.6 (MANE Select); coding-DNA position 890, G replaced by A.
Protein change: p.Gly297Glu; replaces glycine 297 with glutamic acid.
Molecular consequence: missense variant.
Genome position (GRCh38, 1-based): chr2:25,759,531, C>T on the plus strand (G>A on the coding strand, the complement: ASXL2 is on the minus strand). VCF-style: chr2-25759531-C-T. GRCh37 (hg19) VCF-style: chr2-25982400-C-T.
Other names: c.716G>A, p.Gly239Glu (NM_001369346.1); c.110G>A, p.Gly37Glu (NM_001369347.1); short protein forms G297E, G239E, G37E.
Identifiers: ClinVar variation 2733850 (VCV002733850.3), dbSNP rs2149146439, ClinGen allele CA346078984.

ClinVar aggregate classification (germline): Uncertain significance (1 of 4 stars; one submission).

Submission:

Labcorp Genetics (formerly Invitae), Labcorp
Classification: Uncertain significance. Last evaluated: 2023-10-06. Review status: criteria provided, single submitter. Criteria: Invitae Variant Classification Sherloc (09022015). Collection method: clinical testing. Allele origin: germline.
Comment: This sequence change replaces glycine, which is neutral and non-polar, with glutamic acid, which is acidic and polar, at codon 297 of the ASXL2 protein (p.Gly297Glu). This variant is not present in population databases (gnomAD no frequency). This variant has not been reported in the literature in individuals affected with ASXL2-related conditions. Advanced modeling of protein sequence and biophysical properties (such as structural, functional, and spatial information, amino acid conservation, physicochemical variation, residue mobility, and thermodynamic stability) performed at Invitae indicates that this missense variant is not expected to disrupt ASXL2 protein function. In summary, the available evidence is currently insufficient to determine the role of this variant in disease. Therefore, it has been classified as a Variant of Uncertain Significance.